The following is an entry in ClinVar:

ClinVar aggregate classification (germline): Uncertain significance (1 of 4 stars; one submission).

Conditions:
Deficiency of alpha-mannosidase (MANSA). Also called: Alpha-Mannosidosis; Mannosidosis, alpha-, types I and II; LYSOSOMAL ALPHA-D-MANNOSIDASE DEFICIENCY. Identifiers: Orphanet 61, MedGen C0024748, MONDO:0009561, OMIM 248500.

Allele frequency attached by ClinVar (database versions not stated): gnomAD 0.00001.

Submission:

Labcorp Genetics (formerly Invitae), Labcorp
Classification: Uncertain significance for Deficiency of alpha-mannosidase. Last evaluated: 2022-08-23. Review status: criteria provided, single submitter. Criteria: Invitae Variant Classification Sherloc (09022015). Collection method: clinical testing. Allele origin: germline.
Comment: This sequence change replaces methionine, which is neutral and non-polar, with leucine, which is neutral and non-polar, at codon 157 of the MAN2B1 protein (p.Met157Leu). This variant is present in population databases (no rsID available, gnomAD 0.01%). This variant has not been reported in the literature in individuals affected with MAN2B1-related conditions. ClinVar contains an entry for this variant (Variation ID: 1039587). Algorithms developed to predict the effect of missense changes on protein structure and function are either unavailable or do not agree on the potential impact of this missense change (SIFT: "Tolerated"; PolyPhen-2: "Probably Damaging"; Align-GVGD: "Class C0"). In summary, the available evidence is currently insufficient to determine the role of this variant in disease. Therefore, it has been classified as a Variant of Uncertain Significance.

NM_000528.4(MAN2B1):c.469A>T (p.Met157Leu)

Gene: MAN2B1 (mannosidase alpha class 2B member 1; minus strand). Cytogenetic location: 19p13.13.
Variant type: single nucleotide variant.
Coding change: c.469A>T on transcript NM_000528.4 (MANE Select); coding-DNA position 469, A replaced by T.
Protein change: p.Met157Leu; replaces methionine 157 with leucine.
Molecular consequence: missense variant.
Genome position (GRCh38, 1-based): chr19:12,664,953, T>A on the plus strand (A>T on the coding strand, the complement: MAN2B1 is on the minus strand). VCF-style: chr19-12664953-T-A. GRCh37 (hg19) VCF-style: chr19-12775767-T-A.
Other names: c.469A>T, p.Met157Leu (NM_001173498.2); short protein forms M157L.
Identifiers: ClinVar variation 1039587 (VCV001039587.8), dbSNP rs1216161567, ClinGen allele CA404255317.
Genomic context (GRCh38, chr19:12,664,953, plus strand): 5'-GCAGCCCAAGTGTCATCTGGTCCACGATGGCACCGTAGTGGGTGGCTGCCTCATCGTTCA[T>A]CACCCAGCCACCATTGGCGAACTCCAGGCGCCCTGTGCCAGGACAGGCAAGGTCAGGGTC-3'
Protein context (NP_000519.2, residues 147-167): RLEFANGGWV[Met157Leu]NDEAATHYGA